The following is an entry in ClinVar:

NM_000135.4(FANCA):c.3425G>C (p.Cys1142Ser)

Gene: FANCA (FA complementation group A; minus strand). Cytogenetic location: 16q24.3.
Variant type: single nucleotide variant.
Coding change: c.3425G>C on transcript NM_000135.4 (MANE Select); coding-DNA position 3425, G replaced by C.
Protein change: p.Cys1142Ser; replaces cysteine 1142 with serine.
Molecular consequence: missense variant.
Genome position (GRCh38, 1-based): chr16:89,746,672, C>G on the plus strand (G>C on the coding strand, the complement: FANCA is on the minus strand). VCF-style: chr16-89746672-C-G. GRCh37 (hg19) VCF-style: chr16-89813080-C-G.
Other names: c.3425G>C, p.Cys1142Ser (NM_001286167.3); short protein forms C1142S.
Identifiers: ClinVar variation 2980574 (VCV002980574.4), dbSNP rs2544119710, ClinGen allele CA397485994.

ClinVar aggregate classification (germline): Uncertain significance. Review status: criteria provided, multiple submitters, no conflicts (2 of 4 stars). 2 submissions from 2 submitters: Uncertain significance (2). Last evaluated 2025-03-15.

Conditions:
Inborn genetic diseases. Identifiers: MedGen C0950123, MeSH D030342.
Fanconi anemia (FA). Also called: Fanconi's anemia. Identifiers: Orphanet 84, MedGen C0015625, MeSH D005199, MONDO:0019391.

Submissions (2):

Ambry Genetics
Classification: Uncertain significance for Inborn genetic diseases. Last evaluated: 2025-03-15. Review status: criteria provided, single submitter. Criteria: Ambry Variant Classification Scheme 2023. Collection method: clinical testing. Allele origin: germline.
Comment: The p.C1142S variant (also known as c.3425G>C), located in coding exon 35 of the FANCA gene, results from a G to C substitution at nucleotide position 3425. The cysteine at codon 1142 is replaced by serine, an amino acid with dissimilar properties. This amino acid position is conserved. In addition, this alteration is predicted to be tolerated by in silico analysis. Based on the available evidence, the clinical significance of this variant remains unclear.

Labcorp Genetics (formerly Invitae), Labcorp
Classification: Uncertain significance for Fanconi anemia. Last evaluated: 2024-01-04. Review status: criteria provided, single submitter. Criteria: Invitae Variant Classification Sherloc (09022015). Collection method: clinical testing. Allele origin: germline.
Comment: This sequence change replaces cysteine, which is neutral and slightly polar, with serine, which is neutral and polar, at codon 1142 of the FANCA protein (p.Cys1142Ser). This variant is not present in population databases (gnomAD no frequency). This variant has not been reported in the literature in individuals affected with FANCA-related conditions. Advanced modeling of protein sequence and biophysical properties (such as structural, functional, and spatial information, amino acid conservation, physicochemical variation, residue mobility, and thermodynamic stability) performed at Invitae indicates that this missense variant is not expected to disrupt FANCA protein function with a negative predictive value of 80%. In summary, the available evidence is currently insufficient to determine the role of this variant in disease. Therefore, it has been classified as a Variant of Uncertain Significance.